The following is an entry in ClinVar:

NM_182978.4(GNAL):c.1162G>A (p.Ala388Thr)

Gene: GNAL (G protein subunit alpha L; plus strand). Cytogenetic location: 18p11.21.
Variant type: single nucleotide variant.
Coding change: c.1162G>A on transcript NM_182978.4 (MANE Select); coding-DNA position 1162, G replaced by A.
Protein change: p.Ala388Thr; replaces alanine 388 with threonine.
Molecular consequence: missense variant.
Genome position (GRCh38, 1-based): chr18:11,872,398, G>A. VCF-style: chr18-11872398-G-A. GRCh37 (hg19) VCF-style: chr18-11872397-G-A.
Other names: c.931G>A, p.Ala311Thr (NM_001142339.3, NM_001261443.2, NM_001369387.1); c.310G>A, p.Ala104Thr (NM_001261444.2); short protein forms A311T, A104T, A388T.
Identifiers: ClinVar variation 849455 (VCV000849455.6), dbSNP rs753163815, ClinGen allele CA8894217.
Genomic context (GRCh38, chr18:11,872,398, plus strand): 5'-GGGAAATCAAAAATTGAAGACTATTTCCCAGAATATGCAAATTATACTGTTCCTGAAGAC[G>A]GTAAGATTTCAAAACACATTCTTATGATTGAGGAATAGAATTGTTTTATTAATAGTCCTG-3'
Protein context (NP_892023.1, residues 378-398): EYANYTVPED[Ala388Thr]TPDAGEDPKV

ClinVar aggregate classification (germline): Uncertain significance (1 of 4 stars; one submission).

Conditions:
Dystonic disorder. Also called: Dystonia. Identifiers: MedGen C0013421, MONDO:0003441, HP:0001332.

Allele frequency attached by ClinVar (database versions not stated): gnomAD exomes below 0.00001 and 0.00002; ExAC 0.00001; TOPMed 0.00001; gnomAD 0.00002.
gnomAD v4.1: 33 of 1,541,314 alleles (0.0021%); highest among the groups gnomAD compares: African/African-American, 0.0057%; no homozygotes.

Submission:

Labcorp Genetics (formerly Invitae), Labcorp
Classification: Uncertain significance for Dystonic disorder. Last evaluated: 2021-08-27. Review status: criteria provided, single submitter. Criteria: Invitae Variant Classification Sherloc (09022015). Collection method: clinical testing. Allele origin: germline.
Comment: This sequence change replaces alanine with threonine at codon 311 of the GNAL protein (p.Ala311Thr). The alanine residue is highly conserved and there is a small physicochemical difference between alanine and threonine. This variant also falls at the last nucleotide of exon 11, which is part of the consensus splice site for this exon. This variant is present in population databases (rs753163815, ExAC 0.01%). In summary, the available evidence is currently insufficient to determine the role of this variant in disease. Therefore, it has been classified as a Variant of Uncertain Significance. Variants that disrupt the consensus splice site are a relatively common cause of aberrant splicing (PMID: 17576681, 9536098). Algorithms developed to predict the effect of sequence changes on RNA splicing suggest that this variant may disrupt the consensus splice site. Experimental studies have shown that this missense change does not substantially affect GNAL function (PMID: 24535567). Algorithms developed to predict the effect of missense changes on protein structure and function (SIFT, PolyPhen-2, Align-GVGD) all suggest that this variant is likely to be tolerated. This missense change has been observed in individual(s) with dystonia (PMID: 24535567; Invitae).

Literature cited by the submitters: PubMed 17576681; PubMed 9536098; PubMed 24535567.